The following is an entry in ClinVar:

NM_002473.6(MYH9):c.3739C>T (p.Arg1247Cys)

Gene: MYH9 (myosin heavy chain 9; minus strand). Cytogenetic location: 22q12.3.
Variant type: single nucleotide variant.
Coding change: c.3739C>T on transcript NM_002473.6 (MANE Select); coding-DNA position 3739, C replaced by T.
Protein change: p.Arg1247Cys; replaces arginine 1247 with cysteine.
Molecular consequence: missense variant.
Genome position (GRCh38, 1-based): chr22:36,294,190, G>A on the plus strand (C>T on the coding strand, the complement: MYH9 is on the minus strand). VCF-style: chr22-36294190-G-A. GRCh37 (hg19) VCF-style: chr22-36690236-G-A.
Other names: short protein forms R1247C.
Identifiers: ClinVar variation 901601 (VCV000901601.4), dbSNP rs750911335, ClinGen allele CA10209583.

ClinVar aggregate classification (germline): Conflicting classifications of pathogenicity. Review status: criteria provided, conflicting classifications (1 of 4 stars). 2 submissions from 1 submitter: Uncertain significance (1); Benign (1). Last evaluated 2018-01-12.

Conditions:
Autosomal dominant nonsyndromic hearing loss 17. Also called: Deafness, autosomal dominant 17; Autosomal dominant nonsyndromic deafness 17. Identifiers: Orphanet 90635, MedGen C1863659, MONDO:0011350, OMIM 603622.
MYH9-related disorder. Identifiers: MedGen C1854520.

Allele frequency attached by ClinVar (database versions not stated): gnomAD exomes 0.00001 and 0.00002; ExAC 0.00003.
gnomAD v4.1: 22 of 1,613,922 alleles (0.0014%); highest among the groups gnomAD compares: South Asian, 0.0088%; no homozygotes.

Submissions (2):

Illumina Laboratory Services, Illumina
Classification: Benign for MYH9-related disorder. Last evaluated: 2018-01-12. Review status: criteria provided, single submitter. Criteria: ICSL Variant Classification Criteria 13 December 2019. Collection method: clinical testing. Allele origin: germline.
Comment: This variant was observed in the ICSL laboratory as part of a predisposition screen in an ostensibly healthy population. It had not been previously curated by ICSL or reported in the Human Gene Mutation Database (HGMD: prior to June 1st, 2018), and was therefore a candidate for classification through an automated scoring system. Utilizing variant allele frequency, disease prevalence and penetrance estimates, and inheritance mode, an automated score was calculated to assess if this variant is too frequent to cause the disease. Based on the score and internal cut-off values, a variant classified as benign is not then subjected to further curation. The score for this variant resulted in a classification of benign for this disease.

Illumina Laboratory Services, Illumina
Classification: Uncertain significance for Autosomal dominant nonsyndromic hearing loss 17. Last evaluated: 2018-01-12. Review status: criteria provided, single submitter. Criteria: ICSL Variant Classification Criteria 13 December 2019. Collection method: clinical testing. Allele origin: germline.